The following is an entry in ClinVar:

NM_033305.3(VPS13A):c.7156-2A>T

Gene: VPS13A (vacuolar protein sorting 13 homolog A; plus strand). Cytogenetic location: 9q21.2.
Variant type: single nucleotide variant.
Coding change: c.7156-2A>T on transcript NM_033305.3 (MANE Select); the canonical splice acceptor site of the intron before coding-DNA position 7156, A replaced by T.
Molecular consequence: splice acceptor variant.
Genome position (GRCh38, 1-based): chr9:77,345,007, A>T. VCF-style: chr9-77345007-A-T. GRCh37 (hg19) VCF-style: chr9-79959923-A-T.
Other names: c.7039-2A>T (NM_001018037.2); c.7156-2A>T (NM_015186.4, NM_001018038.3).
Identifiers: ClinVar variation 650015 (VCV000650015.13), dbSNP rs1587628060, ClinGen allele CA373853165.

ClinVar aggregate classification (germline): Pathogenic/Likely pathogenic. Review status: criteria provided, multiple submitters, no conflicts (2 of 4 stars). 4 submissions from 4 submitters: Pathogenic (1); Likely pathogenic (3). Last evaluated 2025-12-22.

Conditions:
VPS13A-related neurodegenerative disease. Also called: Choreoacanthocytosis; Chorea-acanthocytosis; Choreaacanthocytosis; LEVINE-CRITCHLEY SYNDROME; VPS13A Disease; ACANTHOCYTOSIS WITH NEUROLOGIC DISORDER. Identifiers: Orphanet 2388, MedGen C0393576, MONDO:0008695, OMIM 200150.

Submissions (4):

Labcorp Genetics (formerly Invitae), Labcorp
Classification: Likely pathogenic. Last evaluated: 2025-12-22. Review status: criteria provided, single submitter. Criteria: Invitae Variant Classification Sherloc (09022015). Collection method: clinical testing. Allele origin: germline.
Comment: This sequence change affects an acceptor splice site in intron 51 of the VPS13A gene. It is expected to disrupt RNA splicing. Variants that disrupt the donor or acceptor splice site typically lead to a loss of protein function (PMID: 16199547), and loss-of-function variants in VPS13A are known to be pathogenic (PMID: 12404112, 21598378). This variant is not present in population databases (gnomAD no frequency). Disruption of this splice site has been observed in individual(s) with chorea-acanthocytosis (PMID: 21598378). ClinVar contains an entry for this variant (Variation ID: 650015). Algorithms developed to predict the effect of sequence changes on RNA splicing suggest that this variant may disrupt the consensus splice site. In summary, the currently available evidence indicates that the variant is pathogenic, but additional data are needed to prove that conclusively. Therefore, this variant has been classified as Likely Pathogenic.

Dasa
Classification: Likely pathogenic for chorea-acanthocytosis. Last evaluated: 2025-10-15. Review status: criteria provided, single submitter. Criteria: DASA Assertion Criteria. Collection method: clinical testing. Allele origin: germline.
Comment: NM_033305.3(VPS13A):c.7156-2A>T affects a canonical splice site and is predicted to disrupt normal RNA splicing. Loss of function is an established disease mechanism for VPS13A-associated disorders. Also, this variant is absent from population databases. Based on the currently available evidence, this variant is classified as likely pathogenic.

Natera, Inc.
Classification: Pathogenic for Choreaacanthocytosis. Last evaluated: 2025-08-26. Review status: criteria provided, single submitter. Criteria: Natera Variant Classification Schema (03/2026). Collection method: clinical testing. Allele origin: germline.
Comment: The c.7156-2A>T variant in VPS13A is a canonical splice acceptor site variant predicted to affect pre-mRNA splicing, which may result in an abnormal transcript and altered protein product. This variant is expected to result in nonsense mediated decay, truncation, or a dysfunctional protein product. This variant is rare in the general population with a frequency below the threshold expected for the associated phenotype(s). This variant has been observed in one or more individuals affected with the associated recessive disease, as either homozygous or compound heterozygous with a second variant (PMID: 21598378). Given the available evidence, this variant is classified as Pathogenic.

Women's Health and Genetics/Laboratory Corporation of America, LabCorp
Classification: Likely pathogenic for VPS13A-related neurodegenerative disease. Last evaluated: 2024-10-10. Review status: criteria provided, single submitter. Criteria: LabCorp Variant Classification Summary - May 2015. Collection method: clinical testing. Allele origin: germline.
Comment: Variant summary: VPS13A c.7156-2A>T is located in a canonical splice-site and is predicted to affect mRNA splicing resulting in a significantly altered protein due to either exon skipping, shortening, or inclusion of intronic material. Variants that disrupt the consensus splice site are a relatively common cause of aberrant splicing and loss of VPS13A function. Several computational tools predict a significant impact on normal splicing: Four predict the variant abolishes a canonical 3' acceptor site. However, these predictions have yet to be confirmed by functional studies. The variant was absent in 249414 control chromosomes. c.7156-2A>T has been reported in the literature in at-least one individual affected with Choreoacanthocytosis (example: Tomiyasu_2011). To our knowledge, no experimental evidence demonstrating an impact on protein function has been reported. The following publication has been ascertained in the context of this evaluation (PMID: 21598378). ClinVar contains an entry for this variant (Variation ID: 650015). Based on the evidence outlined above, the variant was classified as likely pathogenic.

Literature cited by the submitters: PubMed 16199547 (cited by Labcorp Genetics (formerly Invitae), Labcorp); PubMed 12404112 (cited by Labcorp Genetics (formerly Invitae), Labcorp); PubMed 21598378 (cited by 3 submitters).